The following is an entry in ClinVar:

ClinVar aggregate classification (germline): Benign (1 of 4 stars; one submission).

Conditions:
Landau-Kleffner syndrome (FESD). Also called: EPILEPSY, FOCAL, WITH SPEECH DISORDER AND WITH OR WITHOUT MENTAL RETARDATION; APHASIA, ACQUIRED, WITH EPILEPSY. Identifiers: Orphanet 1945, Orphanet 725, Orphanet 98818, MedGen C0282512, MONDO:0009509, OMIM 245570.

Allele frequency attached by ClinVar (database versions not stated): 1000 Genomes Project 30x 0.00562; gnomAD exomes 0.00081; gnomAD 0.00068 and 0.00088; TOPMed 0.00080; 1000 Genomes Project 0.00519.
gnomAD v4.1: 181 of 209,902 alleles (0.086%); highest among the groups gnomAD compares: East Asian, 1.1%; 4 homozygotes.

Submission:

Illumina Laboratory Services, Illumina
Classification: Benign for Landau-Kleffner syndrome. Last evaluated: 2018-01-13. Review status: criteria provided, single submitter. Criteria: ICSL Variant Classification Criteria 13 December 2019. Collection method: clinical testing. Allele origin: germline.
Comment: This variant was observed in the ICSL laboratory as part of a predisposition screen in an ostensibly healthy population. It had not been previously curated by ICSL or reported in the Human Gene Mutation Database (HGMD: prior to June 1st, 2018), and was therefore a candidate for classification through an automated scoring system. Utilizing variant allele frequency, disease prevalence and penetrance estimates, and inheritance mode, an automated score was calculated to assess if this variant is too frequent to cause the disease. Based on the score and internal cut-off values, a variant classified as benign is not then subjected to further curation. The score for this variant resulted in a classification of benign for this disease.

NM_001134407.3(GRIN2A):c.*8753T>C

Gene: GRIN2A (glutamate ionotropic receptor NMDA type subunit 2A; minus strand). Cytogenetic location: 16p13.2.
Variant type: single nucleotide variant.
Coding change: c.*8753T>C on transcript NM_001134407.3 (MANE Select); 8753 bases downstream of the stop codon, T replaced by C.
Molecular consequence: 3 prime UTR variant.
Genome position (GRCh38, 1-based): chr16:9,754,396, A>G on the plus strand (T>C on the coding strand, the complement: GRIN2A is on the minus strand). VCF-style: chr16-9754396-A-G. GRCh37 (hg19) VCF-style: chr16-9848253-A-G.
Other names: c.*8753T>C (NM_000833.5); c.*8959T>C (NM_001134408.2).
Identifiers: ClinVar variation 321466 (VCV000321466.5), dbSNP rs182174522, ClinGen allele CA10644699.